The following is an entry in ClinVar:

ClinVar aggregate classification (germline): Uncertain significance (1 of 4 stars; one submission).

Conditions:
Developmental delay with autism spectrum disorder and gait instability (MRT38). Also called: Intellectual developmental disorder, autosomal recessive 38. Identifiers: Orphanet 329195, MedGen C3809753, MONDO:0014224, OMIM 615516.

gnomAD v4.1: 359 of 1,591,196 alleles (0.023%); highest among the groups gnomAD compares: Middle Eastern, 0.13%; no homozygotes.

Submission:

3billion
Classification: Uncertain significance for Developmental delay with autism spectrum disorder and gait instability. Last evaluated: 2024-11-19. Review status: criteria provided, single submitter. Criteria: ACMG Guidelines, 2015. Collection method: clinical testing. Allele origin: germline. Affected: yes.
Comment: The variant is observed at an extremely low frequency in the gnomAD v4.1.0 dataset (total allele frequency: 0.023%). Predicted Consequence/Location: Intron variant In silico tools predict the variant to alter splicing and produce an abnormal transcript [SpliceAI: 0.27 (>=0.2, moderate evidence for spliceogenicity)]. Therefore, this variant is classified as VUS according to the recommendation of ACMG/AMP guideline.

NM_004667.6(HERC2):c.2317-32G>A

Genes: HERC2 (HECT and RLD domain containing E3 ubiquitin protein ligase 2; minus strand), LOC129390675 (MPRA-validated peak2277 silencer; plus strand). Cytogenetic location: 15q13.1.
Variant type: single nucleotide variant.
Coding change: c.2317-32G>A on transcript NM_004667.6 (MANE Select); 32 bases into the intron before coding-DNA position 2317, G replaced by A.
Molecular consequence: intron variant.
Genome position (GRCh38, 1-based): chr15:28,257,293, C>T on the plus strand (G>A on the coding strand, the complement: HERC2 is on the minus strand). VCF-style: chr15-28257293-C-T. GRCh37 (hg19) VCF-style: chr15-28502439-C-T.
Identifiers: ClinVar variation 4292879 (VCV004292879.1).
Genomic context (GRCh38, chr15:28,257,293, plus strand): 5'-CACTCAGAACATGATGACCAAGCAAAGCTCTAAGAGGAAACGCAACAATCTAAAATGAAT[C>T]TCCAAATGCAGCTGCTGGTCTGCTCCACAGGAGTCACCAGCGTGTGTGATGGAGCTGCCT-3'